The following is an entry in ClinVar:

ClinVar aggregate classification (germline): Likely pathogenic (1 of 4 stars; one submission).

Conditions:
Severe X-linked myotubular myopathy (CNMX). Also called: MYOTUBULAR MYOPATHY 1; Myotubular myopathy, X-linked; X-linked centronuclear myopathy. Identifiers: Orphanet 596, MedGen C0410203, MONDO:0010683, OMIM 310400.

Submission:

Myriad Genetics, Inc.
Classification: Likely pathogenic for Severe X-linked myotubular myopathy. Last evaluated: 2022-02-12. Review status: criteria provided, single submitter. Criteria: Myriad Women's Health Autosomal Recessive and X-Linked Classification Criteria (2021). Collection method: clinical testing. Allele origin: unknown.
Comment: NM_000252.2(MTM1):c.925_926delTT(L309Rfs*4) is expected to be pathogenic in the context of X-linked myotubular myopathy. This variant is predicted to lead to an abnormal or absent protein product due to the creation of a premature termination codon in MTM1, a gene where loss-of-function variants are known to be pathogenic. Please note: this variant was assessed in the context of healthy population screening.

NM_000252.3(MTM1):c.925_926del (p.Leu309fs)

Gene: MTM1 (myotubularin 1; plus strand). Cytogenetic location: Xq28.
Variant type: Deletion.
Coding change: c.925_926del on transcript NM_000252.3 (MANE Select); coding-DNA positions 925 to 926, 2 bases deleted (TT; older notation c.925_926delTT).
Protein change: p.Leu309fs; shifts the reading frame from leucine 309.
Molecular consequence: frameshift variant.
Genome position (GRCh38, 1-based): chrX:150,649,773-150,649,774, TT deleted. VCF-style (leftmost placement, unchanged base first): chrX-150649772-CTT-C. GRCh37 (hg19) VCF-style: chrX-149818245-CTT-C.
Other names: c.925_926del, p.Leu309fs (NM_001376906.1, NM_001376908.1); c.814_815del, p.Leu272fs (NM_001376907.1); short protein forms L272fs, L309fs.
Identifiers: ClinVar variation 1724381 (VCV001724381.2), dbSNP rs2522399296, ClinGen allele CA2580101622.